The following is an entry in ClinVar:

NM_004525.3(LRP2):c.11668C>T (p.Arg3890Trp)

Gene: LRP2 (LDL receptor related protein 2; minus strand). Cytogenetic location: 2q31.1.
Variant type: single nucleotide variant.
Coding change: c.11668C>T on transcript NM_004525.3 (MANE Select); coding-DNA position 11668, C replaced by T.
Protein change: p.Arg3890Trp; replaces arginine 3890 with tryptophan.
Molecular consequence: missense variant.
Genome position (GRCh38, 1-based): chr2:169,166,022, G>A on the plus strand (C>T on the coding strand, the complement: LRP2 is on the minus strand). VCF-style: chr2-169166022-G-A. GRCh37 (hg19) VCF-style: chr2-170022532-G-A.
Other names: short protein forms R3890W.
Identifiers: ClinVar variation 1488449 (VCV001488449.6), dbSNP rs373179621, ClinGen allele CA1952996.

ClinVar aggregate classification (germline): Uncertain significance. Review status: criteria provided, multiple submitters, no conflicts (2 of 4 stars). 2 submissions from 2 submitters: Uncertain significance (2). Last evaluated 2024-06-04.

Conditions:
Donnai-Barrow syndrome. Also called: DBS/FOAR SYNDROME; FACIOOCULOACOUSTICORENAL SYNDROME. Identifiers: Orphanet 2143, MedGen C1857277, MONDO:0009104, OMIM 222448.

Allele frequency attached by ClinVar (database versions not stated): gnomAD 0.00001; gnomAD exomes 0.00001 and 0.00003; ExAC 0.00002; TOPMed 0.00002; ESP Exome Variant Server 0.00008.
gnomAD v4.1: 47 of 1,613,836 alleles (0.0029%); highest among the groups gnomAD compares: African/African-American, 0.0067%; no homozygotes.

Submissions (2):

Fulgent Genetics
Classification: Uncertain significance for Donnai-Barrow syndrome. Last evaluated: 2024-06-04. Review status: criteria provided, single submitter. Criteria: ACMG Guidelines, 2015. Collection method: clinical testing. Allele origin: germline.

Labcorp Genetics (formerly Invitae), Labcorp
Classification: Uncertain significance. Last evaluated: 2022-05-31. Review status: criteria provided, single submitter. Criteria: Invitae Variant Classification Sherloc (09022015). Collection method: clinical testing. Allele origin: germline.
Comment: This sequence change replaces arginine, which is basic and polar, with tryptophan, which is neutral and slightly polar, at codon 3890 of the LRP2 protein (p.Arg3890Trp). This variant is present in population databases (rs373179621, gnomAD 0.004%). This variant has not been reported in the literature in individuals affected with LRP2-related conditions. ClinVar contains an entry for this variant (Variation ID: 1488449). Advanced modeling of protein sequence and biophysical properties (such as structural, functional, and spatial information, amino acid conservation, physicochemical variation, residue mobility, and thermodynamic stability) performed at Invitae indicates that this missense variant is expected to disrupt LRP2 protein function. In summary, the available evidence is currently insufficient to determine the role of this variant in disease. Therefore, it has been classified as a Variant of Uncertain Significance.